The following is an entry in ClinVar:

ClinVar aggregate classification (germline): Uncertain significance (1 of 4 stars; one submission).

Conditions:
Cardiovascular phenotype. Identifiers: MedGen CN230736.

Submission:

Ambry Genetics
Classification: Uncertain significance for Cardiovascular phenotype. Last evaluated: 2026-02-16. Review status: criteria provided, single submitter. Criteria: Ambry Variant Classification Scheme 2023. Collection method: clinical testing. Allele origin: germline.
Comment: The p.T23I variant (also known as c.68C>T), located in coding exon 2 of the SPRED1 gene, results from a C to T substitution at nucleotide position 68. The threonine at codon 23 is replaced by isoleucine, an amino acid with similar properties. This amino acid position is conserved. In addition, this alteration is predicted to be deleterious by in silico analysis. Based on the available evidence, the clinical significance of this variant remains unclear.

NM_152594.3(SPRED1):c.68C>T (p.Thr23Ile)

Gene: SPRED1 (sprouty related EVH1 domain containing 1; plus strand). Cytogenetic location: 15q14.
Variant type: single nucleotide variant.
Coding change: c.68C>T on transcript NM_152594.3 (MANE Select); coding-DNA position 68, C replaced by T.
Protein change: p.Thr23Ile; replaces threonine 23 with isoleucine.
Molecular consequence: missense variant.
Genome position (GRCh38, 1-based): chr15:38,299,408, C>T. VCF-style: chr15-38299408-C-T. GRCh37 (hg19) VCF-style: chr15-38591609-C-T.
Other names: short protein forms T23I.
Identifiers: ClinVar variation 4825582 (VCV004825582.1).